The following is an entry in ClinVar:

ClinVar aggregate classification (germline): Uncertain significance (1 of 4 stars; one submission).

Conditions:
Familial hemophagocytic lymphohistiocytosis 5. Also called: STXBP2-Related Familial Hemophagocytic Lymphohistiocytosis (STXBP2-fHLH). Identifiers: Orphanet 540, MedGen C2751293, MONDO:0013135, OMIM 613101.

Allele frequency attached by ClinVar (database versions not stated): gnomAD exomes 0.00001; gnomAD 0.00003; 1000 Genomes Project 30x 0.00016; 1000 Genomes Project 0.00020.
gnomAD v4.1: 15 of 1,614,090 alleles (0.00093%); highest among the groups gnomAD compares: Admixed American, 0.005%; no homozygotes.

Submission:

Labcorp Genetics (formerly Invitae), Labcorp
Classification: Uncertain significance for Familial hemophagocytic lymphohistiocytosis 5. Last evaluated: 2022-06-18. Review status: criteria provided, single submitter. Criteria: Invitae Variant Classification Sherloc (09022015). Collection method: clinical testing. Allele origin: germline.
Comment: This sequence change replaces arginine, which is basic and polar, with histidine, which is basic and polar, at codon 227 of the STXBP2 protein (p.Arg227His). This variant is present in population databases (rs200855062, gnomAD 0.01%). This variant has not been reported in the literature in individuals affected with STXBP2-related conditions. ClinVar contains an entry for this variant (Variation ID: 538145). Algorithms developed to predict the effect of missense changes on protein structure and function are either unavailable or do not agree on the potential impact of this missense change (SIFT: "Deleterious"; PolyPhen-2: "Benign"; Align-GVGD: "Class C0"). In summary, the available evidence is currently insufficient to determine the role of this variant in disease. Therefore, it has been classified as a Variant of Uncertain Significance.

NM_006949.4(STXBP2):c.680G>A (p.Arg227His)

Gene: STXBP2 (syntaxin binding protein 2; plus strand). Cytogenetic location: 19p13.2.
Variant type: single nucleotide variant.
Coding change: c.680G>A on transcript NM_006949.4 (MANE Select); coding-DNA position 680, G replaced by A.
Protein change: p.Arg227His; replaces arginine 227 with histidine.
Molecular consequence: missense variant. On other transcripts: non-coding transcript variant (1).
Genome position (GRCh38, 1-based): chr19:7,642,219, G>A. VCF-style: chr19-7642219-G-A. GRCh37 (hg19) VCF-style: chr19-7707105-G-A.
Other names: c.671G>A, p.Arg224His (NM_001127396.3); c.713G>A, p.Arg238His (NM_001272034.2); short protein forms R227H, R224H, R238H.
Identifiers: ClinVar variation 538145 (VCV000538145.6), dbSNP rs200855062, ClinGen allele CA9143768.
Genomic context (GRCh38, chr19:7,642,219, plus strand): 5'-GGCTCAGGGTCAGTGCCTCATTCCTGCCCTAAACCCCACCCCAGGGCCCAGAGAAAACCC[G>A]CTCCCAGCTGCTGATAATGGACCGGGCAGCTGACCCCGTGTCCCCACTACTGCATGAGCT-3'
Protein context (NP_008880.2, residues 217-237): PSLGEGPEKT[Arg227His]SQLLIMDRAA